The following is an entry in ClinVar:

ClinVar aggregate classification (germline): Uncertain significance. Review status: criteria provided, multiple submitters, no conflicts (2 of 4 stars). 3 submissions from 3 submitters: Uncertain significance (3). Last evaluated 2026-01-07.

Conditions:
PCNT-related disorder. Also called: PCNT-related condition.
Inborn genetic diseases. Identifiers: MedGen C0950123, MeSH D030342.

gnomAD v4.1: 13 of 1,549,668 alleles (0.00084%); highest among the groups gnomAD compares: Non-Finnish European, 0.0011%; no homozygotes.

Submissions (3):

PreventionGenetics, part of Exact Sciences
Classification: Uncertain significance for PCNT-related condition. Last evaluated: 2026-01-07. Review status: criteria provided, single submitter. Criteria: ACMG Guidelines, 2015. Collection method: clinical testing. Allele origin: germline.
Comment: The PCNT c.4198G>A variant is predicted to result in the amino acid substitution p.Ala1400Thr. To our knowledge, this variant has not been reported in the literature. This variant is reported in 0.0014% of alleles in individuals of European (Non-Finnish) descent in gnomAD. At this time, the clinical significance of this variant is uncertain due to the absence of conclusive functional and genetic evidence.

Ambry Genetics
Classification: Uncertain significance for Inborn genetic diseases. Last evaluated: 2025-10-22. Review status: criteria provided, single submitter. Criteria: Ambry Variant Classification Scheme 2023. Collection method: clinical testing. Allele origin: germline.

Labcorp Genetics (formerly Invitae), Labcorp
Classification: Uncertain significance. Last evaluated: 2024-12-12. Review status: criteria provided, single submitter. Criteria: Invitae Variant Classification Sherloc (09022015). Collection method: clinical testing. Allele origin: germline.
Comment: This sequence change replaces alanine, which is neutral and non-polar, with threonine, which is neutral and polar, at codon 1400 of the PCNT protein (p.Ala1400Thr). This variant is present in population databases (rs377310462, gnomAD 0.001%). This variant has not been reported in the literature in individuals affected with PCNT-related conditions. An algorithm developed to predict the effect of missense changes on protein structure and function (PolyPhen-2) suggests that this variant is likely to be disruptive. In summary, the available evidence is currently insufficient to determine the role of this variant in disease. Therefore, it has been classified as a Variant of Uncertain Significance.

NM_006031.6(PCNT):c.4198G>A (p.Ala1400Thr)

Gene: PCNT (pericentrin; plus strand). Cytogenetic location: 21q22.3.
Variant type: single nucleotide variant.
Coding change: c.4198G>A on transcript NM_006031.6 (MANE Select); coding-DNA position 4198, G replaced by A.
Protein change: p.Ala1400Thr; replaces alanine 1400 with threonine.
Molecular consequence: missense variant.
Genome position (GRCh38, 1-based): chr21:46,391,358, G>A. VCF-style: chr21-46391358-G-A. GRCh37 (hg19) VCF-style: chr21-47811273-G-A.
Other names: c.3844G>A, p.Ala1282Thr (NM_001315529.2); c.4198G>A (NM_006031.5); short protein forms A1400T, A1282T.
Identifiers: ClinVar variation 3713517 (VCV003713517.4).
Genomic context (GRCh38, chr21:46,391,358, plus strand): 5'-GCGGCGCTGAGGGAGGAGTGCACCCGTCTGTGGAGTCGGGGGGAGGCCACAGCCACGGAC[G>A]CCGAGGCCAGAGAAGCTGGTAAGGAGCGCGGGCTGTGGAGGGTGGTGCGAGCTGTGGGGC-3'
Protein context (NP_006022.3, residues 1390-1410): WSRGEATATD[Ala1400Thr]EAREAALRKE